The following is an entry in ClinVar:

ClinVar aggregate classification (germline): Uncertain significance (1 of 4 stars; one submission).

Submission:

Labcorp Genetics (formerly Invitae), Labcorp
Classification: Uncertain significance. Last evaluated: 2022-09-04. Review status: criteria provided, single submitter. Criteria: Invitae Variant Classification Sherloc (09022015). Collection method: clinical testing. Allele origin: germline.
Comment: In summary, the available evidence is currently insufficient to determine the role of this variant in disease. Therefore, it has been classified as a Variant of Uncertain Significance. Algorithms developed to predict the effect of missense changes on protein structure and function (SIFT, PolyPhen-2, Align-GVGD) all suggest that this variant is likely to be disruptive. This variant has not been reported in the literature in individuals affected with BRD4-related conditions. This variant is not present in population databases (gnomAD no frequency). This sequence change replaces lysine, which is basic and polar, with methionine, which is neutral and non-polar, at codon 594 of the BRD4 protein (p.Lys594Met).

NM_001379291.1(BRD4):c.1781A>T (p.Lys594Met)

Gene: BRD4 (bromodomain containing 4; minus strand). Cytogenetic location: 19p13.12.
Variant type: single nucleotide variant.
Coding change: c.1781A>T on transcript NM_001379291.1 (MANE Select); coding-DNA position 1781, A replaced by T.
Protein change: p.Lys594Met; replaces lysine 594 with methionine.
Molecular consequence: missense variant.
Genome position (GRCh38, 1-based): chr19:15,255,563, T>A on the plus strand (A>T on the coding strand, the complement: BRD4 is on the minus strand). VCF-style: chr19-15255563-T-A. GRCh37 (hg19) VCF-style: chr19-15366374-T-A.
Other names: c.1781A>T, p.Lys594Met (NM_001330384.2, NM_001379292.1, NM_014299.3 and 1 more transcripts); short protein forms K594M.
Identifiers: ClinVar variation 1714317 (VCV001714317.5), dbSNP rs2512557199, ClinGen allele CA404520109.